The following is an entry in ClinVar:

ClinVar aggregate classification (germline): Uncertain significance. Review status: criteria provided, multiple submitters, no conflicts (2 of 4 stars). 6 submissions from 6 submitters: Uncertain significance (6). Last evaluated 2024-09-11.

Conditions:
Finnish congenital nephrotic syndrome (NPHS1). Also called: NEPHROTIC SYNDROME, TYPE 1. Identifiers: Orphanet 839, MedGen C0403399, MONDO:0009732, OMIM 256300.
Congenital nephrotic syndrome. Also called: Familial nephrotic syndrome. Identifiers: MedGen C3501848, MeSH C535761, MONDO:0002350, HP:0008677.
Inborn genetic diseases. Identifiers: MedGen C0950123, MeSH D030342.

Allele frequency attached by ClinVar (database versions not stated): gnomAD 0.00003 and 0.00004; TOPMed 0.00003; ExAC 0.00006; gnomAD exomes 0.00007 and 0.00008.
gnomAD v4.1: 114 of 1,614,074 alleles (0.0071%); highest among the groups gnomAD compares: Middle Eastern, 0.016%; no homozygotes.

Submissions (6):

Ambry Genetics
Classification: Uncertain significance for Inborn genetic diseases. Last evaluated: 2024-09-11. Review status: criteria provided, single submitter. Criteria: Ambry Variant Classification Scheme 2023. Collection method: clinical testing. Allele origin: germline.

Fulgent Genetics
Classification: Uncertain significance for Finnish congenital nephrotic syndrome. Last evaluated: 2022-05-11. Review status: criteria provided, single submitter. Criteria: ACMG Guidelines, 2015. Collection method: clinical testing. Allele origin: unknown.

Labcorp Genetics (formerly Invitae), Labcorp
Classification: Uncertain significance. Last evaluated: 2021-08-24. Review status: criteria provided, single submitter. Criteria: Invitae Variant Classification Sherloc (09022015). Collection method: clinical testing. Allele origin: germline.
Comment: This sequence change replaces glutamic acid with glutamine at codon 143 of the NPHS1 protein (p.Glu143Gln). The glutamic acid residue is moderately conserved and there is a small physicochemical difference between glutamic acid and glutamine. This variant is present in population databases (rs540253444, ExAC 0.01%). This variant has not been reported in the literature in individuals affected with NPHS1-related conditions. ClinVar contains an entry for this variant (Variation ID: 328880). Algorithms developed to predict the effect of missense changes on protein structure and function are either unavailable or do not agree on the potential impact of this missense change (SIFT: "Tolerated"; PolyPhen-2: "Possibly Damaging"; Align-GVGD: "Class C0"). In summary, the available evidence is currently insufficient to determine the role of this variant in disease. Therefore, it has been classified as a Variant of Uncertain Significance.

Genome-Nilou Lab
Classification: Uncertain significance for Finnish congenital nephrotic syndrome. Last evaluated: 2021-07-14. Review status: criteria provided, single submitter. Criteria: ACMG Guidelines, 2015. Collection method: clinical testing. Allele origin: germline. Affected: no.

Pars Genome Lab
Classification: Uncertain significance for Finnish congenital nephrotic syndrome. Last evaluated: 2021-05-18. Review status: criteria provided, single submitter. Criteria: ACMG Guidelines, 2015. Collection method: clinical testing. Allele origin: germline. Affected: no.

Illumina Laboratory Services, Illumina
Classification: Uncertain significance for Congenital nephrotic syndrome. Last evaluated: 2018-01-13. Review status: criteria provided, single submitter. Criteria: ICSL Variant Classification Criteria 13 December 2019. Collection method: clinical testing. Allele origin: germline.

NM_004646.4(NPHS1):c.427G>C (p.Glu143Gln)

Gene: NPHS1 (NPHS1 adhesion molecule, nephrin; minus strand). Cytogenetic location: 19q13.12.
Variant type: single nucleotide variant.
Coding change: c.427G>C on transcript NM_004646.4 (MANE Select); coding-DNA position 427, G replaced by C.
Protein change: p.Glu143Gln; replaces glutamic acid 143 with glutamine.
Molecular consequence: missense variant.
Genome position (GRCh38, 1-based): chr19:35,851,060, C>G on the plus strand (G>C on the coding strand, the complement: NPHS1 is on the minus strand). VCF-style: chr19-35851060-C-G. GRCh37 (hg19) VCF-style: chr19-36341962-C-G.
Other names: short protein forms E143Q.
Identifiers: ClinVar variation 328880 (VCV000328880.13), dbSNP rs540253444, ClinGen allele CA9390804.